The following is an entry in ClinVar:

ClinVar aggregate classification (germline): other (0 of 4 stars; one submission).

Conditions:
Familial colorectal cancer. Identifiers: MedGen CN280943, MONDO:0023113. Disease mechanism: loss of function.

Allele frequency attached by ClinVar (database versions not stated): gnomAD 0.25877 and 0.27065; TOPMed 0.28523; 1000 Genomes Project 30x 0.33823; 1000 Genomes Project 0.34345.
gnomAD v4.1: 41,283 of 152,010 alleles (27%); highest among the groups gnomAD compares: East Asian, 60%; 7,048 homozygotes.

Submission:

Systems Biology Platform Zhejiang California International NanoSystems Institute
Classification: other for Familial colorectal cancer. Review status: no assertion criteria provided. Collection method: not provided. Allele origin: unknown.
ClinVar note: Converted during submission from cancer to other.

NM_000038.6(APC):c.645+1738G>A

Gene: APC (APC regulator of WNT signaling pathway; plus strand). Cytogenetic location: 5q22.2.
Variant type: single nucleotide variant.
Coding change: c.645+1738G>A on transcript NM_000038.6 (MANE Select); 1738 bases into the intron after coding-DNA position 645, G replaced by A.
Molecular consequence: intron variant.
Genome position (GRCh38, 1-based): chr5:112,782,641, G>A. VCF-style: chr5-112782641-G-A. GRCh37 (hg19) VCF-style: chr5-112118338-G-A.
Other names: c.645+1738G>A (NM_001354895.2, NM_001127510.3, NM_001354896.2 and 2 more transcripts); c.675+1738G>A (NM_001354897.2, NM_001354902.2, NM_001127511.3); c.570+1738G>A (NM_001354898.2, NM_001354904.2); c.-391+1738G>A (NM_001354906.2); c.468+1738G>A (NM_001354900.2, NM_001354901.2, NM_001354905.2).
Identifiers: ClinVar variation 82949 (VCV000082949.2), dbSNP rs2439595, ClinGen allele CA011281.